The following is an entry in ClinVar:

NM_013275.6(ANKRD11):c.5651C>G (p.Ser1884Ter)

Gene: ANKRD11 (ankyrin repeat domain 11; minus strand). Cytogenetic location: 16q24.3.
Variant type: single nucleotide variant.
Coding change: c.5651C>G on transcript NM_013275.6 (MANE Select); coding-DNA position 5651, C replaced by G.
Protein change: p.Ser1884Ter; replaces serine 1884 with a stop codon.
Molecular consequence: nonsense.
Genome position (GRCh38, 1-based): chr16:89,280,891, G>C on the plus strand (C>G on the coding strand, the complement: ANKRD11 is on the minus strand). VCF-style: chr16-89280891-G-C. GRCh37 (hg19) VCF-style: chr16-89347299-G-C.
Other names: c.5651C>G, p.Ser1884Ter (NM_001256182.2, NM_001256183.2); short protein forms S1884*.
Identifiers: ClinVar variation 1031770 (VCV001031770.7), dbSNP rs1555526636, ClinGen allele CA397153333.

ClinVar aggregate classification (germline): Pathogenic. Review status: criteria provided, multiple submitters, no conflicts (2 of 4 stars). 5 submissions from 5 submitters: Pathogenic (5). Last evaluated 2025-02-28.

Conditions:
KBG syndrome (KBGS). Also called: ANKRD11-Related KBG Syndrome. Identifiers: Orphanet 2332, MedGen C0220687, MONDO:0007846, OMIM 148050.

gnomAD v4.1: 1 of 1,604,246 alleles (0.000062%); highest among the groups gnomAD compares: South Asian, 0.0011%; no homozygotes.

Submissions (5):

Division of Genetic & Genomic Pathology, Hong Kong Children's Hospital
Classification: Pathogenic for KBG syndrome. Last evaluated: 2025-02-28. Review status: criteria provided, single submitter. Criteria: ACMG Guidelines, 2015. Collection method: clinical testing. Allele origin: germline. Affected: yes.
Comment: ANKRD11 c.5651C>G p.(Ser1884*) is a nonsense variant predicted to create a premature stop codon leading to nonsense-mediated decay. ANKRD11 is a known haploinsufficient gene and loss-of-function is a known mechanism of disease (PMID: 33955014). The variant is present at an extremely low frequency in population databases (gnomAD v4.1.0: 1 in 1,604,246 alleles; absent in East Asian). It has been reported as pathogenic in ClinVar (VCV001031770.6, 4 submissions) and observed in individuals with clinical features compatible with KBG syndrome (PMID: 33303739, 35833929). In at least two patients, this variant has been shown to be de novo (PMID: 35833929, 36939041). For these reasons, the variant is classified as pathogenic.

GeneDx
Classification: Pathogenic. Last evaluated: 2024-05-01. Review status: criteria provided, single submitter. Criteria: GeneDx Variant Classification Process June 2021. Collection method: clinical testing. Allele origin: germline. Affected: yes.
Comment: Identified in an individual with clinical features of KBG syndrome in published literature (PMID: 33303739); Nonsense variant predicted to result in protein truncation or nonsense mediated decay in a gene for which loss of function is a known mechanism of disease; Not observed at significant frequency in large population cohorts (gnomAD); This variant is associated with the following publications: (PMID: 36939041, 33303739, 35833929)

Institute of Medical Genetics and Applied Genomics, University Hospital Tübingen
Classification: Pathogenic for KBG syndrome. Last evaluated: 2022-12-08. Review status: criteria provided, single submitter. Criteria: ACMG Guidelines, 2015. Collection method: clinical testing. Allele origin: germline. Inheritance: Autosomal dominant inheritance. Affected: yes.

Victorian Clinical Genetics Services, Murdoch Childrens Research Institute
Classification: Pathogenic for KBG syndrome. Last evaluated: 2020-05-26. Review status: criteria provided, single submitter. Criteria: ACMG Guidelines, 2015. Collection method: clinical testing. Allele origin: germline. Inheritance: Autosomal dominant inheritance. Affected: yes.
Comment: Based on the classification scheme VCGS_Germline_v1.1.1, this variant is classified as Pathogenic. Following criteria are met: 0102 - Loss-of-function is a known mechanism of disease for this gene. (N) 0107 - This gene is known to be associated with autosomal dominant disease. (N) 0201 - Variant is predicted to cause nonsense-mediated decay (NMD) and loss of protein (exon 9 of 13). (P) 0251 - Variant is heterozygous. (N) 0301 - Variant is absent from gnomAD. (P) 0701 - Comparable variants have very strong previous evidence for pathogenicity. Other variants predicted to cause NMD have been reported as pathogenic (ClinVar). (P) 0807 - Variant has not previously been reported in a clinical context. (N) 0905 - No segregation evidence has been identified for this variant. (N) 1007 - No published functional evidence has been identified for this variant. (N) 1208 - Inheritance information for this variant is not currently available. (N) Legend: (P) - Pathogenic, (N) - Neutral, (B) - Benign

Baylor Genetics
Classification: Pathogenic for KBG syndrome. Last evaluated: 2018-09-27. Review status: criteria provided, single submitter. Criteria: ACMG Guidelines, 2015. Collection method: clinical testing. Allele origin: de novo. Affected: yes.
Comment: This variant was determined to be pathogenic according to ACMG Guidelines, 2015 [PMID:25741868].

Literature cited by the submitters: PubMed 33955014 (cited by Division of Genetic & Genomic Pathology, Hong Kong Children's Hospital); PubMed 33303739 (cited by Division of Genetic & Genomic Pathology, Hong Kong Children's Hospital); PubMed 35833929 (cited by Division of Genetic & Genomic Pathology, Hong Kong Children's Hospital); PubMed 36939041 (cited by Division of Genetic & Genomic Pathology, Hong Kong Children's Hospital).